The following is an entry in ClinVar:

NM_001918.5(DBT):c.939G>A (p.Lys313=)

Gene: DBT (dihydrolipoamide branched chain transacylase E2; minus strand). Cytogenetic location: 1p21.2.
Variant type: single nucleotide variant.
Coding change: c.939G>A on transcript NM_001918.5 (MANE Select); coding-DNA position 939, G replaced by A.
Protein change: p.Lys313=; no amino-acid change (lysine 313 retained).
Molecular consequence: synonymous variant. On other transcripts: non-coding transcript variant (4).
Genome position (GRCh38, 1-based): chr1:100,214,817, C>T on the plus strand (G>A on the coding strand, the complement: DBT is on the minus strand). VCF-style: chr1-100214817-C-T. GRCh37 (hg19) VCF-style: chr1-100680373-C-T.
Other names: c.396G>A, p.Lys132= (NM_001399969.1, NM_001399972.1).
Identifiers: ClinVar variation 4535785 (VCV004535785.1).

ClinVar aggregate classification (germline): Uncertain significance (1 of 4 stars; one submission).

Submission:

Women's Health and Genetics/Laboratory Corporation of America, LabCorp
Classification: Uncertain significance. Last evaluated: 2025-09-04. Review status: criteria provided, single submitter. Criteria: LabCorp Variant Classification Summary - May 2015. Collection method: clinical testing. Allele origin: germline.
Comment: Variant summary: DBT c.939G>A (p.Lys313Lys) alters a nucleotide located close to a canonical splice site and therefore could affect mRNA splicing, leading to a significantly altered protein sequence. Several computational tools predict a significant impact on normal splicing: Two predict the variant abolishes a 5' splicing donor site. Two predict the variant weakens a 5' donor site. However, these predictions have yet to be confirmed by functional studies. The variant was absent in 251402 control chromosomes. The available data on variant occurrences in the general population are insufficient to allow any conclusion about variant significance. To our knowledge, no occurrence of c.939G>A in individuals affected with DBT-related conditions and no experimental evidence demonstrating its impact on protein function have been reported. No submitters have cited clinical-significance assessments for this variant to ClinVar. Based on the evidence outlined above, the variant was classified as uncertain significance.